The following is an entry in ClinVar:

NM_018669.6(WDR4):c.1036A>G (p.Met346Val)

Gene: WDR4 (WDR4 tRNA N7-guanosine methyltransferase non-catalytic subunit; minus strand). Cytogenetic location: 21q22.3.
Variant type: single nucleotide variant.
Coding change: c.1036A>G on transcript NM_018669.6 (MANE Select); coding-DNA position 1036, A replaced by G.
Protein change: p.Met346Val; replaces methionine 346 with valine.
Molecular consequence: missense variant. On other transcripts: non-coding transcript variant (1).
Genome position (GRCh38, 1-based): chr21:42,852,264, T>C on the plus strand (A>G on the coding strand, the complement: WDR4 is on the minus strand). VCF-style: chr21-42852264-T-C. GRCh37 (hg19) VCF-style: chr21-44272374-T-C.
Other names: c.1033A>G, p.Met345Val (NM_001260474.2); c.598A>G, p.Met200Val (NM_001260475.2, NM_001260476.2, NM_001260477.2); c.1036A>G, p.Met346Val (NM_033661.5); short protein forms M345V, M346V, M200V.
Identifiers: ClinVar variation 726110 (VCV000726110.13), dbSNP rs144129036, ClinGen allele CA10045840.

ClinVar aggregate classification (germline): Likely benign. Review status: criteria provided, multiple submitters, no conflicts (2 of 4 stars). 4 submissions from 4 submitters: Likely benign (3). 1 of the submissions does not count toward it. Last evaluated 2026-01-12.

Conditions:
WDR4-related disorder. Also called: WDR4-related condition; WDR4-Related Disorders.

Allele frequency attached by ClinVar (database versions not stated): 1000 Genomes Project 0.00200; 1000 Genomes Project 30x 0.00234; gnomAD exomes 0.00014 and 0.00037; ExAC 0.00044; gnomAD 0.00124 and 0.00131; ESP Exome Variant Server 0.00146; TOPMed 0.00158.
gnomAD v4.1: 405 of 1,614,158 alleles (0.025%); highest among the groups gnomAD compares: African/African-American, 0.47%; no homozygotes.

Submissions (4):

Labcorp Genetics (formerly Invitae), Labcorp
Classification: Likely benign. Last evaluated: 2026-01-12. Review status: criteria provided, single submitter. Criteria: Invitae Variant Classification Sherloc (09022015). Collection method: clinical testing. Allele origin: germline.

Blueprint Genetics
Classification: Likely benign. Last evaluated: 2022-09-21. Review status: criteria provided, single submitter. Criteria: ACMG Guidelines, 2015. Collection method: clinical testing. Allele origin: germline.

Breakthrough Genomics
Classification: Likely benign. Review status: criteria provided, single submitter. Criteria: ACMG Guidelines, 2015. Collection method: not provided. Allele origin: germline. Inheritance: Autosomal recessive inheritance. Affected: yes.

PreventionGenetics, part of Exact Sciences
Classification: Likely benign for WDR4-related condition. Last evaluated: 2023-06-16. Review status: no assertion criteria provided. Collection method: clinical testing. Allele origin: germline. Not counted in ClinVar's aggregate classification.
Comment: This variant is classified as likely benign based on ACMG/AMP sequence variant interpretation guidelines (Richards et al. 2015 PMID: 25741868, with internal and published modifications).